The following is an entry in ClinVar:

ClinVar aggregate classification (germline): Uncertain significance (1 of 4 stars; one submission).

gnomAD v4.1: 2 of 1,613,650 alleles (0.00012%); highest among the groups gnomAD compares: Non-Finnish European, 0.00017%; no homozygotes.

Submission:

Labcorp Genetics (formerly Invitae), Labcorp
Classification: Uncertain significance. Last evaluated: 2025-11-23. Review status: criteria provided, single submitter. Criteria: Invitae Variant Classification Sherloc (09022015). Collection method: clinical testing. Allele origin: germline.
Comment: This sequence change replaces tyrosine, which is neutral and polar, with phenylalanine, which is neutral and non-polar, at codon 395 of the SEPT9 protein (p.Tyr395Phe). This variant is not present in population databases (gnomAD no frequency). This variant has not been reported in the literature in individuals affected with SEPT9-related conditions. Invitae Evidence Modeling of protein sequence and biophysical properties (such as structural, functional, and spatial information, amino acid conservation, physicochemical variation, residue mobility, and thermodynamic stability) indicates that this missense variant is not expected to disrupt SEPT9 protein function with a negative predictive value of 80%. In summary, the available evidence is currently insufficient to determine the role of this variant in disease. Therefore, it has been classified as a Variant of Uncertain Significance.

NM_001113491.2(SEPTIN9):c.1238A>T (p.Tyr413Phe)

Gene: SEPTIN9 (septin 9; plus strand). Cytogenetic location: 17q25.3.
Variant type: single nucleotide variant.
Coding change: c.1238A>T on transcript NM_001113491.2 (MANE Select); coding-DNA position 1238, A replaced by T.
Protein change: p.Tyr413Phe; replaces tyrosine 413 with phenylalanine.
Molecular consequence: missense variant.
Genome position (GRCh38, 1-based): chr17:77,488,840, A>T. VCF-style: chr17-77488840-A-T. GRCh37 (hg19) VCF-style: chr17-75484922-A-T.
Other names: c.746A>T, p.Tyr249Phe (NM_001113492.2, NM_001113494.1); c.1217A>T, p.Tyr406Phe (NM_001113493.2); c.485A>T, p.Tyr162Phe (NM_001113495.2, NM_001113496.2, NM_001293697.2 and 1 more transcripts); c.1181A>T, p.Tyr394Phe (NM_001293695.2); c.566A>T, p.Tyr189Phe (NM_001293696.2); c.1184A>T, p.Tyr395Phe (NM_006640.5); short protein forms Y162F, Y394F, Y406F, Y189F, Y413F, Y249F, Y395F.
Identifiers: ClinVar variation 4745425 (VCV004745425.1).